The following is an entry in ClinVar:

NM_004082.5(DCTN1):c.2660A>C (p.Glu887Ala)

Gene: DCTN1 (dynactin subunit 1; minus strand). Cytogenetic location: 2p13.1.
Variant type: single nucleotide variant.
Coding change: c.2660A>C on transcript NM_004082.5 (MANE Select); coding-DNA position 2660, A replaced by C.
Protein change: p.Glu887Ala; replaces glutamic acid 887 with alanine.
Molecular consequence: missense variant. On other transcripts: non-coding transcript variant (1).
Genome position (GRCh38, 1-based): chr2:74,366,344, T>G on the plus strand (A>C on the coding strand, the complement: DCTN1 is on the minus strand). VCF-style: chr2-74366344-T-G. GRCh37 (hg19) VCF-style: chr2-74593471-T-G.
Other names: c.2600A>C, p.Glu867Ala (NM_001135040.3); c.2258A>C, p.Glu753Ala (NM_001135041.3, NM_023019.4); c.2549A>C, p.Glu850Ala (NM_001190836.2); c.2639A>C, p.Glu880Ala (NM_001190837.2); c.2609A>C, p.Glu870Ala (NM_001378991.1); c.2591A>C, p.Glu864Ala (NM_001378992.1); short protein forms E753A, E867A, E887A, E850A, E880A, E864A, E870A.
Identifiers: ClinVar variation 1438931 (VCV001438931.6), dbSNP rs1166896176, ClinGen allele CA347345537.

ClinVar aggregate classification (germline): Uncertain significance (1 of 4 stars; one submission).

Conditions:
Neuronopathy, distal hereditary motor, type 7B. Also called: HMN VIIB; NEURONOPATHY, DISTAL HEREDITARY MOTOR, AUTOSOMAL DOMINANT 14; NEURONOPATHY, DISTAL HEREDITARY MOTOR, HARDING TYPE VIIB; NEUROPATHY, DISTAL HEREDITARY MOTOR, HARDING TYPE VIIB; NEUROPATHY, DISTAL HEREDITARY MOTOR, WITH VOCAL CORD PARALYSIS, HARDING TYPE VIIB; LOWER MOTOR NEURON DISEASE, DYNACTIN TYPE. Identifiers: Orphanet 139589, MedGen C1843315, MONDO:0011879, OMIM 607641.
Perry syndrome. Also called: PARKINSONISM WITH ALVEOLAR HYPOVENTILATION AND MENTAL DEPRESSION. Identifiers: Orphanet 178509, MedGen C1868594, MONDO:0008201, OMIM 168605.
Amyotrophic lateral sclerosis type 1 (ALS1). Also called: AMYOTROPHIC LATERAL SCLEROSIS 1, FAMILIAL. Identifiers: Orphanet 803, MedGen C1862939, MONDO:0007103, OMIM 105400.

Allele frequency attached by ClinVar (database versions not stated): TOPMed below 0.00001; gnomAD 0.00001.
gnomAD v4.1: 1 of 1,614,034 alleles (0.000062%); highest among the groups gnomAD compares: African/African-American, 0.0013%; no homozygotes.

Submission:

Labcorp Genetics (formerly Invitae), Labcorp
Classification: Uncertain significance for Amyotrophic lateral sclerosis type 1; Neuronopathy, distal hereditary motor, type 7B; Perry syndrome. Last evaluated: 2022-02-09. Review status: criteria provided, single submitter. Criteria: Invitae Variant Classification Sherloc (09022015). Collection method: clinical testing. Allele origin: germline.
Comment: This sequence change replaces glutamic acid, which is acidic and polar, with alanine, which is neutral and non-polar, at codon 887 of the DCTN1 protein (p.Glu887Ala). This variant is not present in population databases (gnomAD no frequency). This variant has not been reported in the literature in individuals affected with DCTN1-related conditions. Algorithms developed to predict the effect of missense changes on protein structure and function (SIFT, PolyPhen-2, Align-GVGD) all suggest that this variant is likely to be disruptive. In summary, the available evidence is currently insufficient to determine the role of this variant in disease. Therefore, it has been classified as a Variant of Uncertain Significance.